The following is an entry in ClinVar:

NM_000155.4(GALT):c.419C>T (p.Pro140Leu)

Gene: GALT (galactose-1-phosphate uridylyltransferase; plus strand). Cytogenetic location: 9p13.3.
Variant type: single nucleotide variant.
Coding change: c.419C>T on transcript NM_000155.4 (MANE Select); coding-DNA position 419, C replaced by T.
Protein change: p.Pro140Leu; replaces proline 140 with leucine.
Molecular consequence: missense variant.
Genome position (GRCh38, 1-based): chr9:34,647,873, C>T. VCF-style: chr9-34647873-C-T. GRCh37 (hg19) VCF-style: chr9-34647870-C-T.
Other names: c.92C>T, p.Pro31Leu (NM_001258332.2); short protein forms P140L, P31L.
Identifiers: ClinVar variation 1039784 (VCV001039784.9), dbSNP rs1821147228, ClinGen allele CA373280729.

ClinVar aggregate classification (germline): Uncertain significance (1 of 4 stars; one submission).

Conditions:
Deficiency of UDPglucose-hexose-1-phosphate uridylyltransferase. Also called: GALT deficiency; Galactosemia, classic; Transferase Deficiency Galactosemia; GALACTOSE-1-PHOSPHATE URIDYLYLTRANSFERASE DEFICIENCY; GALACTOSEMIA I. Identifiers: Orphanet 352, Orphanet 79239, MedGen C0268151, MONDO:0009258, OMIM 230400.

Submission:

Labcorp Genetics (formerly Invitae), Labcorp
Classification: Uncertain significance for Deficiency of UDPglucose-hexose-1-phosphate uridylyltransferase. Last evaluated: 2020-07-07. Review status: criteria provided, single submitter. Criteria: Invitae Variant Classification Sherloc (09022015). Collection method: clinical testing. Allele origin: germline.
Comment: This sequence change replaces proline with leucine at codon 140 of the GALT protein (p.Pro140Leu). The proline residue is highly conserved and there is a moderate physicochemical difference between proline and leucine. This variant is not present in population databases (ExAC no frequency). In summary, the available evidence is currently insufficient to determine the role of this variant in disease. Therefore, it has been classified as a Variant of Uncertain Significance.